The following is an entry in ClinVar:

ClinVar aggregate classification (germline): Uncertain significance. Review status: criteria provided, multiple submitters, no conflicts (2 of 4 stars). 3 submissions from 3 submitters: Uncertain significance (3). Last evaluated 2024-11-29.

Conditions:
Hereditary cancer-predisposing syndrome. Also called: Tumor predisposition; Neoplastic Syndromes, Hereditary; Hereditary neoplastic syndrome; Hereditary Cancer Syndrome. Identifiers: Orphanet 140162, MedGen C0027672, MeSH D009386, MONDO:0015356.
Ataxia-telangiectasia syndrome (AT). Also called: Ataxia-telangiectasia, complementation group D; AT, COMPLEMENTATION GROUP C; ATAXIA-TELANGIECTASIA, COMPLEMENTATION GROUP A; ATAXIA-TELANGIECTASIA, FRESNO VARIANT; Ataxia-telangiectasia; Ataxia telangiectasia (A-T). Identifiers: Orphanet 100, MedGen C0004135, MONDO:0008840, OMIM 208900.

Allele frequency attached by ClinVar (database versions not stated): ExAC 0.00001; gnomAD exomes below 0.00001; gnomAD 0.00001.
gnomAD v4.1: 4 of 1,613,422 alleles (0.00025%); highest among the groups gnomAD compares: Non-Finnish European, 0.00017%; no homozygotes.

Submissions (3):

Ambry Genetics
Classification: Uncertain significance for Hereditary cancer-predisposing syndrome. Last evaluated: 2024-11-29. Review status: criteria provided, single submitter. Criteria: Ambry Variant Classification Scheme 2023. Collection method: clinical testing. Allele origin: germline.
Comment: The p.N1929S variant (also known as c.5786A>G), located in coding exon 38 of the ATM gene, results from an A to G substitution at nucleotide position 5786. The asparagine at codon 1929 is replaced by serine, an amino acid with highly similar properties. This amino acid position is poorly conserved in available vertebrate species. In addition, this alteration is predicted to be tolerated by in silico analysis. Based on the available evidence, the clinical significance of this variant remains unclear.

Labcorp Genetics (formerly Invitae), Labcorp
Classification: Uncertain significance for Ataxia-telangiectasia syndrome. Last evaluated: 2024-03-26. Review status: criteria provided, single submitter. Criteria: Invitae Variant Classification Sherloc (09022015). Collection method: clinical testing. Allele origin: germline.
Comment: This sequence change replaces asparagine, which is neutral and polar, with serine, which is neutral and polar, at codon 1929 of the ATM protein (p.Asn1929Ser). This variant is present in population databases (rs756661278, gnomAD 0.004%). This variant has not been reported in the literature in individuals affected with ATM-related conditions. ClinVar contains an entry for this variant (Variation ID: 923795). An algorithm developed to predict the effect of missense changes on protein structure and function (PolyPhen-2) suggests that this variant is likely to be tolerated. In summary, the available evidence is currently insufficient to determine the role of this variant in disease. Therefore, it has been classified as a Variant of Uncertain Significance.

Color Diagnostics, LLC DBA Color Health
Classification: Uncertain significance for Hereditary cancer-predisposing syndrome. Last evaluated: 2023-12-05. Review status: criteria provided, single submitter. Criteria: ACMG Guidelines, 2015. Collection method: clinical testing. Allele origin: germline.
Comment: This missense variant replaces asparagine with serine at codon 1929 of the ATM protein. Computational prediction tools and conservation analyses suggest that this variant may not impact the protein function. Computational splicing tools suggest that this variant may not impact RNA splicing. To our knowledge, functional assays have not been performed for this variant nor has this variant been reported in individuals affected with hereditary cancer in the literature. This variant has been identified in 1/250970 chromosomes in the general population by the Genome Aggregation Database (gnomAD). Available evidence is insufficient to determine the role of this variant in disease conclusively. Therefore, this variant is classified as a Variant of Uncertain Significance.

NM_000051.4(ATM):c.5786A>G (p.Asn1929Ser)

Genes: ATM (ATM serine/threonine kinase; plus strand), C11orf65 (chromosome 11 open reading frame 65; minus strand). Cytogenetic location: 11q22.3.
Variant type: single nucleotide variant.
Coding change: c.5786A>G on transcript NM_000051.4 (MANE Select); coding-DNA position 5786, A replaced by G.
Protein change: p.Asn1929Ser; replaces asparagine 1929 with serine.
Molecular consequence: missense variant. On other transcripts: intron variant (2).
Genome position (GRCh38, 1-based): chr11:108,310,183, A>G. VCF-style: chr11-108310183-A-G. GRCh37 (hg19) VCF-style: chr11-108180910-A-G.
Other names: c.5786A>G, p.Asn1929Ser (NM_001351834.2); c.641-1112T>C (NM_001330368.2); c.*39-1112T>C (NM_001351110.2); short protein forms N1929S.
Identifiers: ClinVar variation 923795 (VCV000923795.11), dbSNP rs756661278, ClinGen allele CA6265787.